The following is an entry in ClinVar:

ClinVar aggregate classification (germline): Conflicting classifications of pathogenicity. Review status: criteria provided, conflicting classifications (1 of 4 stars). 4 submissions from 4 submitters: Uncertain significance (3); Likely benign (1). Last evaluated 2025-12-30.

Conditions:
TRPV4-related disorder. Also called: TRPV4-related condition; TRPV4-related disorders.
Charcot-Marie-Tooth disease axonal type 2C (HMSN2C). Also called: Charcot-Marie-Tooth Disease Type 2, TRPV4-Related (CMT2C); Charcot-Marie-Tooth Neuropathy Type 2C; CHARCOT-MARIE-TOOTH DISEASE, AXONAL, AUTOSOMAL DOMINANT, TYPE 2C. Identifiers: Orphanet 99937, MedGen C1853710, MONDO:0011633, OMIM 606071.
Inborn genetic diseases. Identifiers: MedGen C0950123, MeSH D030342.

Allele frequency attached by ClinVar (database versions not stated): ExAC 0.00001; TOPMed 0.00002; gnomAD 0.00003; gnomAD exomes 0.00003.
gnomAD v4.1: 51 of 1,613,906 alleles (0.0032%); highest among the groups gnomAD compares: Non-Finnish European, 0.0039%; no homozygotes.

Submissions (4):

PreventionGenetics, part of Exact Sciences
Classification: Uncertain significance for TRPV4-related condition. Last evaluated: 2025-12-30. Review status: criteria provided, single submitter. Criteria: ACMG Guidelines, 2015. Collection method: clinical testing. Allele origin: germline.
Comment: The TRPV4 c.2303C>T variant is predicted to result in the amino acid substitution p.Ser768Leu. To our knowledge, this variant has not been reported in the literature. This variant is reported in 0.011% of alleles in individuals of African descent in gnomAD. Although we suspect that this variant may be benign, at this time, the clinical significance of this variant is uncertain due to the absence of conclusive functional and genetic evidence.

Labcorp Genetics (formerly Invitae), Labcorp
Classification: Uncertain significance for Charcot-Marie-Tooth disease axonal type 2C. Last evaluated: 2025-10-22. Review status: criteria provided, single submitter. Criteria: Invitae Variant Classification Sherloc (09022015). Collection method: clinical testing. Allele origin: germline.
Comment: This sequence change replaces serine, which is neutral and polar, with leucine, which is neutral and non-polar, at codon 768 of the TRPV4 protein (p.Ser768Leu). This variant is present in population databases (rs762710224, gnomAD 0.004%). This variant has not been reported in the literature in individuals affected with TRPV4-related conditions. ClinVar contains an entry for this variant (Variation ID: 3017388). Invitae Evidence Modeling of protein sequence and biophysical properties (such as structural, functional, and spatial information, amino acid conservation, physicochemical variation, residue mobility, and thermodynamic stability) indicates that this missense variant is not expected to disrupt TRPV4 protein function with a negative predictive value of 95%. In summary, the available evidence is currently insufficient to determine the role of this variant in disease. Therefore, it has been classified as a Variant of Uncertain Significance.

CeGaT Center for Human Genetics Tuebingen
Classification: Likely benign. Last evaluated: 2024-12-01. Review status: criteria provided, single submitter. Criteria: CeGaT Center For Human Genetics Tuebingen Variant Classification Criteria Version 2. Collection method: clinical testing. Allele origin: germline. Affected: yes. Observed: 1 variant allele.
Comment: TRPV4: BS2

Ambry Genetics
Classification: Uncertain significance for Inborn genetic diseases. Last evaluated: 2024-11-11. Review status: criteria provided, single submitter. Criteria: Ambry Variant Classification Scheme 2023. Collection method: clinical testing. Allele origin: germline.

NM_021625.5(TRPV4):c.2303C>T (p.Ser768Leu)

Gene: TRPV4 (transient receptor potential cation channel subfamily V member 4; minus strand). Cytogenetic location: 12q24.11.
Variant type: single nucleotide variant.
Coding change: c.2303C>T on transcript NM_021625.5 (MANE Select); coding-DNA position 2303, C replaced by T.
Protein change: p.Ser768Leu; replaces serine 768 with leucine.
Molecular consequence: missense variant.
Genome position (GRCh38, 1-based): chr12:109,786,743, G>A on the plus strand (C>T on the coding strand, the complement: TRPV4 is on the minus strand). VCF-style: chr12-109786743-G-A. GRCh37 (hg19) VCF-style: chr12-110224548-G-A.
Other names: c.2162C>T, p.Ser721Leu (NM_001177428.2); c.2201C>T, p.Ser734Leu (NM_001177431.2); c.1982C>T, p.Ser661Leu (NM_001177433.2); c.2123C>T, p.Ser708Leu (NM_147204.3); short protein forms S708L, S734L, S661L, S721L, S768L.
Identifiers: ClinVar variation 3017388 (VCV003017388.18), dbSNP rs762710224, ClinGen allele CA6779969.